The following is an entry in ClinVar:

NM_003737.4(DCHS1):c.2122C>T (p.Arg708Cys)

Gene: DCHS1 (dachsous cadherin-related 1; minus strand). Cytogenetic location: 11p15.4.
Variant type: single nucleotide variant.
Coding change: c.2122C>T on transcript NM_003737.4 (MANE Select); coding-DNA position 2122, C replaced by T.
Protein change: p.Arg708Cys; replaces arginine 708 with cysteine.
Molecular consequence: missense variant.
Genome position (GRCh38, 1-based): chr11:6,633,885, G>A on the plus strand (C>T on the coding strand, the complement: DCHS1 is on the minus strand). VCF-style: chr11-6633885-G-A. GRCh37 (hg19) VCF-style: chr11-6655116-G-A.
Other names: short protein forms R708C.
Identifiers: ClinVar variation 2896416 (VCV002896416.3), dbSNP rs766341427, ClinGen allele CA5860808.

ClinVar aggregate classification (germline): Uncertain significance (1 of 4 stars; one submission).

Allele frequency attached by ClinVar (database versions not stated): gnomAD exomes 0.00001; TOPMed 0.00001; gnomAD 0.00003; ExAC 0.00006.
gnomAD v4.1: 21 of 1,613,884 alleles (0.0013%); highest among the groups gnomAD compares: Middle Eastern, 0.016%; no homozygotes.

Submission:

Labcorp Genetics (formerly Invitae), Labcorp
Classification: Uncertain significance. Last evaluated: 2024-04-25. Review status: criteria provided, single submitter. Criteria: Invitae Variant Classification Sherloc (09022015). Collection method: clinical testing. Allele origin: germline.
Comment: This sequence change replaces arginine, which is basic and polar, with cysteine, which is neutral and slightly polar, at codon 708 of the DCHS1 protein (p.Arg708Cys). This variant is present in population databases (rs766341427, gnomAD 0.02%). This variant has not been reported in the literature in individuals affected with DCHS1-related conditions. Advanced modeling of protein sequence and biophysical properties (such as structural, functional, and spatial information, amino acid conservation, physicochemical variation, residue mobility, and thermodynamic stability) performed at Invitae indicates that this missense variant is not expected to disrupt DCHS1 protein function with a negative predictive value of 80%. In summary, the available evidence is currently insufficient to determine the role of this variant in disease. Therefore, it has been classified as a Variant of Uncertain Significance.